The following is an entry in ClinVar:

ClinVar aggregate classification (germline): Uncertain significance (1 of 4 stars; one submission).

Allele frequency attached by ClinVar (database versions not stated): gnomAD exomes below 0.00001.
gnomAD v4.1: 4 of 1,614,194 alleles (0.00025%); highest among the groups gnomAD compares: Non-Finnish European, 0.00034%; no homozygotes.

Submission:

Women's Health and Genetics/Laboratory Corporation of America, LabCorp
Classification: Uncertain significance. Last evaluated: 2023-05-02. Review status: criteria provided, single submitter. Criteria: LabCorp Variant Classification Summary - May 2015. Collection method: clinical testing. Allele origin: germline.
Comment: Variant summary: CLCN1 c.1106A>C (p.His369Pro) results in a non-conservative amino acid change in the encoded protein sequence. Five of five in-silico tools predict a damaging effect of the variant on protein function. The variant was absent in 251482 control chromosomes. c.1106A>C has been reported in the literature in an individual affected with Myotonia congenita (Tan_2011). At least one publication reports experimental evidence evaluating an impact showing wild-type-like voltage dependence of activation, but with reduced channel current (Suetterlin_2022). The available evidence is currently insufficient to determine a definitive role of this variant in disease. The following publications have been ascertained in the context of this evaluation (PMID: 28662944, 34529042, 21387378). No clinical diagnostic laboratories have submitted clinical-significance assessments for this variant to ClinVar after 2014. Based on the evidence outlined above, the variant was classified as VUS-possibly pathogenic.

Literature cited by the submitters: PubMed 34529042; PubMed 28662944; PubMed 21387378.

NM_000083.3(CLCN1):c.1106A>C (p.His369Pro)

Gene: CLCN1 (chloride voltage-gated channel 1; plus strand). Cytogenetic location: 7q34.
Variant type: single nucleotide variant.
Coding change: c.1106A>C on transcript NM_000083.3 (MANE Select); coding-DNA position 1106, A replaced by C.
Protein change: p.His369Pro; replaces histidine 369 with proline.
Molecular consequence: missense variant. On other transcripts: non-coding transcript variant (1).
Genome position (GRCh38, 1-based): chr7:143,331,592, A>C. VCF-style: chr7-143331592-A-C. GRCh37 (hg19) VCF-style: chr7-143028685-A-C.
Other names: short protein forms H369P.
Identifiers: ClinVar variation 2506091 (VCV002506091.1), dbSNP rs2487060546, ClinGen allele CA369642182.